The following is an entry in ClinVar:

NM_001365536.1(SCN9A):c.5623G>A (p.Val1875Met)

Genes: SCN9A (sodium voltage-gated channel alpha subunit 9; minus strand), SCN1A-AS1 (SCN1A and SCN9A antisense RNA 1; plus strand). Cytogenetic location: 2q24.3.
Variant type: single nucleotide variant.
Coding change: c.5623G>A on transcript NM_001365536.1 (MANE Select); coding-DNA position 5623, G replaced by A.
Protein change: p.Val1875Met; replaces valine 1875 with methionine.
Molecular consequence: missense variant.
Genome position (GRCh38, 1-based): chr2:166,199,016, C>T on the plus strand (G>A on the coding strand, the complement: SCN9A is on the minus strand). VCF-style: chr2-166199016-C-T. GRCh37 (hg19) VCF-style: chr2-167055526-C-T.
Other names: c.5590G>A, p.Val1864Met (NM_002977.4); short protein forms V1875M, V1864M.
Identifiers: ClinVar variation 4789856 (VCV004789856.1).

ClinVar aggregate classification (germline): Uncertain significance (1 of 4 stars; one submission).

Conditions:
Neuropathy, hereditary sensory and autonomic, type 2A (HSAN2A). Also called: ACROOSTEOLYSIS, GIACCAI TYPE; ACROOSTEOLYSIS, NEUROGENIC; MORVAN DISEASE; NEUROPATHY, CONGENITAL SENSORY; NEUROPATHY, HEREDITARY SENSORY RADICULAR, AUTOSOMAL RECESSIVE; NEUROPATHY, HEREDITARY SENSORY, TYPE IIA. Identifiers: Orphanet 970, MedGen C2752089, MONDO:0024309, OMIM 201300.
Generalized epilepsy with febrile seizures plus, type 7 (GEFSP7). Also called: GEFS+, TYPE 7. Identifiers: Orphanet 36387, MedGen C2751778, MONDO:0013470, OMIM 613863.

gnomAD v4.1: 1 of 1,614,064 alleles (0.000062%); highest among the groups gnomAD compares: Non-Finnish European, 0.000085%; no homozygotes.

Submission:

Labcorp Genetics (formerly Invitae), Labcorp
Classification: Uncertain significance for Neuropathy, hereditary sensory and autonomic, type 2A; Generalized epilepsy with febrile seizures plus, type 7. Last evaluated: 2025-05-05. Review status: criteria provided, single submitter. Criteria: Invitae Variant Classification Sherloc (09022015). Collection method: clinical testing. Allele origin: germline.
Comment: This sequence change replaces valine, which is neutral and non-polar, with methionine, which is neutral and non-polar, at codon 1864 of the SCN9A protein (p.Val1864Met). This variant is not present in population databases (gnomAD no frequency). This variant has not been reported in the literature in individuals affected with SCN9A-related conditions. Invitae Evidence Modeling of protein sequence and biophysical properties (such as structural, functional, and spatial information, amino acid conservation, physicochemical variation, residue mobility, and thermodynamic stability) indicates that this missense variant is not expected to disrupt SCN9A protein function with a negative predictive value of 95%. In summary, the available evidence is currently insufficient to determine the role of this variant in disease. Therefore, it has been classified as a Variant of Uncertain Significance.